The following is an entry in ClinVar:

NM_001267550.2(TTN):c.63463C>T (p.Arg21155Cys)

Genes: TTN-AS1 (TTN antisense RNA 1; plus strand), TTN (titin; minus strand). Cytogenetic location: 2q31.2.
Variant type: single nucleotide variant.
Coding change: c.63463C>T on transcript NM_001267550.2 (MANE Select); coding-DNA position 63463, C replaced by T.
Protein change: p.Arg21155Cys; replaces arginine 21155 with cysteine.
Molecular consequence: missense variant.
Genome position (GRCh38, 1-based): chr2:178,587,944, G>A on the plus strand (C>T on the coding strand, the complement: TTN is on the minus strand). VCF-style: chr2-178587944-G-A. GRCh37 (hg19) VCF-style: chr2-179452671-G-A.
Other names: c.36268C>T, p.Arg12090Cys (NM_003319.4); c.36643C>T, p.Arg12215Cys (NM_133432.3); c.36844C>T, p.Arg12282Cys (NM_133437.4); c.58540C>T, p.Arg19514Cys (NM_001256850.1); c.55759C>T, p.Arg18587Cys (NM_133378.4); short protein forms R18587C, R21155C, R12215C, R19514C, R12090C, R12282C.
Identifiers: ClinVar variation 165907 (VCV000165907.16), dbSNP rs374727686, ClinGen allele CA178623.
Genomic context (GRCh38, chr2:178,587,944, plus strand): 5'-AAGGGAAGGACTTACCTAGTATTTCTTTAGGTTTGATAGCTTCCTTTAGCTCTGCAGGGC[G>A]CCCAATACCAACTTGGTTTTGGGCACACACCCTGAACTCATATTCCTGGTTTTCATCCAA-3'
Protein context (NP_001254479.2, residues 21145-21165): VCAQNQVGIG[Arg21155Cys]PAELKEAIKP

ClinVar aggregate classification (germline): Conflicting classifications of pathogenicity. Review status: criteria provided, conflicting classifications (1 of 4 stars). 7 submissions from 7 submitters: Uncertain significance (6); Likely benign (1). Last evaluated 2026-08-07.

Conditions:
TTN-related disorder. Also called: TTN-related condition; TTN-related disease; TTN-related disorders.
Cardiovascular phenotype. Identifiers: MedGen CN230736.
Dilated cardiomyopathy 1G (CMD1G). Identifiers: Orphanet 154, MedGen C1858763, MONDO:0011400, OMIM 604145.
Autosomal recessive limb-girdle muscular dystrophy type 2J (LGMDR10). Also called: Limb-girdle muscular dystrophy, type 2J; MUSCULAR DYSTROPHY, LIMB-GIRDLE, AUTOSOMAL RECESSIVE 10. Identifiers: Orphanet 140922, MedGen C1837342, MONDO:0012127, OMIM 608807.

Allele frequency attached by ClinVar (database versions not stated): gnomAD exomes 0.00002 and 0.00003; gnomAD 0.00004 and 0.00005; TOPMed 0.00005; ESP Exome Variant Server 0.00008.
gnomAD v4.1: 57 of 1,608,510 alleles (0.0035%); highest among the groups gnomAD compares: South Asian, 0.013%; no homozygotes.

Submissions (7):

PreventionGenetics, part of Exact Sciences
Classification: Uncertain significance for TTN-related condition. Last evaluated: 2026-08-07. Review status: criteria provided, single submitter. Criteria: ACMG Guidelines, 2015. Collection method: clinical testing. Allele origin: germline.
Comment: The TTN c.63463C>T variant is predicted to result in the amino acid substitution p.Arg21155Cys. To our knowledge, this variant has not been reported in the literature. This variant is reported in 0.0087% of alleles in individuals of Latino descent in gnomAD. At this time, the clinical significance of this variant is uncertain due to the absence of conclusive functional and genetic evidence.

Women's Health and Genetics/Laboratory Corporation of America, LabCorp
Classification: Uncertain significance. Last evaluated: 2025-12-30. Review status: criteria provided, single submitter. Criteria: LabCorp Variant Classification Summary - May 2015. Collection method: clinical testing. Allele origin: germline.
Comment: Variant summary: TTN c.55759C>T (p.Arg18587Cys) results in a non-conservative amino acid change in the encoded protein sequence. Algorithms developed to predict the effect of missense changes on protein structure and function are either unavailable or do not agree on the potential impact of this missense change. The variant allele was found at a frequency of 2.5e-05 in 240280 control chromosomes. The available data on variant occurrences in the general population are insufficient to allow any conclusion about variant significance. To our knowledge, no occurrence of c.55759C>T in individuals affected with TTN-related conditions and no experimental evidence demonstrating its impact on protein function have been reported. ClinVar contains an entry for this variant (Variation ID: 165907). Based on the evidence outlined above, the variant was classified as uncertain significance.

Ambry Genetics
Classification: Uncertain significance for Cardiovascular phenotype. Last evaluated: 2020-01-17. Review status: criteria provided, single submitter. Criteria: Ambry Variant Classification Scheme 2023. Collection method: clinical testing. Allele origin: germline.
Comment: The p.R12090C variant (also known as c.36268C>T), located in coding exon 132 of the TTN gene, results from a C to T substitution at nucleotide position 36268. The arginine at codon 12090 is replaced by cysteine, an amino acid with highly dissimilar properties. This amino acid position is highly conserved in available vertebrate species. In addition, this alteration is predicted to be tolerated by in silico analysis. Since supporting evidence is limited at this time, the clinical significance of this alteration remains unclear.

GeneDx
Classification: Likely benign. Last evaluated: 2018-03-15. Review status: criteria provided, single submitter. Criteria: GeneDx Variant Classification (06012015). Collection method: clinical testing. Allele origin: germline. Affected: yes.
Comment: This variant is considered likely benign or benign based on one or more of the following criteria: it is a conservative change, it occurs at a poorly conserved position in the protein, it is predicted to be benign by multiple in silico algorithms, and/or has population frequency not consistent with disease.

Labcorp Genetics (formerly Invitae), Labcorp
Classification: Uncertain significance for Dilated cardiomyopathy 1G; Autosomal recessive limb-girdle muscular dystrophy type 2J. Last evaluated: 2017-05-03. Review status: criteria provided, single submitter. Criteria: Invitae Variant Classification Sherloc (09022015). Collection method: clinical testing. Allele origin: germline.

Eurofins Ntd Llc (ga)
Classification: Uncertain significance. Last evaluated: 2015-06-05. Review status: criteria provided, single submitter. Criteria: EGL Classification Definitions 2015. Collection method: clinical testing. Allele origin: germline. Observed: 1 variant allele, 1 heterozygote.

Laboratory for Molecular Medicine, Mass General Brigham Personalized Medicine
Classification: Uncertain significance. Last evaluated: 2014-11-28. Review status: criteria provided, single submitter. Criteria: LMM Criteria. Collection method: clinical testing. Allele origin: germline. Observed: 1 variant allele.
Comment: The p.Arg18587Cys variant in TTN has not been previously reported in individuals with cardiomyopathy, but has been identified in 1/3770 of African American chro mosomes by the NHLBI Exome Sequencing Project (dbSNP rs374727686). Computational prediction tools and conservation analysis s uggest that this variant may impact the protein, though this information is not predictive enough to determine pathogenicity. In summary, the clinical significa nce of the p.Arg18587Cys variant is uncertain.